The following is an entry in ClinVar:

ClinVar aggregate classification (germline): Uncertain significance (1 of 4 stars; one submission).

Conditions:
Progressive sclerosing poliodystrophy (MTDPS4A). Also called: NEURONAL DEGENERATION OF CHILDHOOD WITH LIVER DISEASE, PROGRESSIVE; Alpers Syndrome; ALPERS DIFFUSE DEGENERATION OF CEREBRAL GRAY MATTER WITH HEPATIC CIRRHOSIS; Alpers-Huttenlocher Syndrome; Mitochondrial DNA Depletion Syndrome 4A; Alpers-Huttenlocher Syndrome (AHS). Identifiers: Orphanet 726, MedGen C0205710, MONDO:0008758, OMIM 203700.

Allele frequency attached by ClinVar (database versions not stated): gnomAD exomes below 0.00001.
gnomAD v4.1: 1 of 1,535,812 alleles (0.000065%); highest among the groups gnomAD compares: South Asian, 0.0012%; no homozygotes.

Submission:

Labcorp Genetics (formerly Invitae), Labcorp
Classification: Uncertain significance for Progressive sclerosing poliodystrophy. Last evaluated: 2024-07-23. Review status: criteria provided, single submitter. Criteria: Invitae Variant Classification Sherloc (09022015). Collection method: clinical testing. Allele origin: germline.
Comment: This sequence change replaces valine, which is neutral and non-polar, with methionine, which is neutral and non-polar, at codon 9 of the POLG protein (p.Val9Met). This variant is not present in population databases (gnomAD no frequency). This variant has not been reported in the literature in individuals affected with POLG-related conditions. ClinVar contains an entry for this variant (Variation ID: 1717246). Advanced modeling of protein sequence and biophysical properties (such as structural, functional, and spatial information, amino acid conservation, physicochemical variation, residue mobility, and thermodynamic stability) performed at Invitae indicates that this missense variant is not expected to disrupt POLG protein function with a negative predictive value of 95%. In summary, the available evidence is currently insufficient to determine the role of this variant in disease. Therefore, it has been classified as a Variant of Uncertain Significance.

NM_002693.3(POLG):c.25G>A (p.Val9Met)

Genes: POLG (DNA polymerase gamma, catalytic subunit; minus strand), POLGARF (POLG alternative reading frame; minus strand). Cytogenetic location: 15q26.1.
Variant type: single nucleotide variant.
Coding change: c.25G>A on transcript NM_002693.3 (MANE Select); coding-DNA position 25, G replaced by A.
Protein change: p.Val9Met; replaces valine 9 with methionine.
Molecular consequence: missense variant.
Genome position (GRCh38, 1-based): chr15:89,333,730, C>T on the plus strand (G>A on the coding strand, the complement: POLG is on the minus strand). VCF-style: chr15-89333730-C-T. GRCh37 (hg19) VCF-style: chr15-89876961-C-T.
Other names: c.25G>A, p.Val9Met (NM_001126131.2); short protein forms V9M.
Identifiers: ClinVar variation 1717246 (VCV001717246.6), dbSNP rs2509278336, ClinGen allele CA393775353.